The following is an entry in ClinVar:

NM_015346.4(ZFYVE26):c.4171C>G (p.Leu1391Val)

Gene: ZFYVE26 (zinc finger FYVE-type containing 26; minus strand). Cytogenetic location: 14q24.1.
Variant type: single nucleotide variant.
Coding change: c.4171C>G on transcript NM_015346.4 (MANE Select); coding-DNA position 4171, C replaced by G.
Protein change: p.Leu1391Val; replaces leucine 1391 with valine.
Molecular consequence: missense variant.
Genome position (GRCh38, 1-based): chr14:67,782,981, G>C on the plus strand (C>G on the coding strand, the complement: ZFYVE26 is on the minus strand). VCF-style: chr14-67782981-G-C. GRCh37 (hg19) VCF-style: chr14-68249698-G-C.
Other names: short protein forms L1391V.
Identifiers: ClinVar variation 1483658 (VCV001483658.8), dbSNP rs1347292571, ClinGen allele CA390170694.

ClinVar aggregate classification (germline): Uncertain significance (1 of 4 stars; one submission).

Conditions:
Spastic paraplegia. Identifiers: MedGen C0037772, HP:0001258.

Submission:

Labcorp Genetics (formerly Invitae), Labcorp
Classification: Uncertain significance for Spastic paraplegia. Last evaluated: 2021-08-06. Review status: criteria provided, single submitter. Criteria: Invitae Variant Classification Sherloc (09022015). Collection method: clinical testing. Allele origin: germline.
Comment: This sequence change replaces leucine with valine at codon 1391 of the ZFYVE26 protein (p.Leu1391Val). The leucine residue is highly conserved and there is a small physicochemical difference between leucine and valine. This variant is not present in population databases (ExAC no frequency). This variant has not been reported in the literature in individuals with ZFYVE26-related conditions. Algorithms developed to predict the effect of missense changes on protein structure and function are either unavailable or do not agree on the potential impact of this missense change (SIFT: "Deleterious"; PolyPhen-2: "Probably Damaging"; Align-GVGD: "Class C0"). In summary, the available evidence is currently insufficient to determine the role of this variant in disease. Therefore, it has been classified as a Variant of Uncertain Significance.